The following is an entry in ClinVar:

NM_024721.5(ZFHX4):c.5286dup (p.Gly1763fs)

Gene: ZFHX4 (zinc finger homeobox 4; plus strand). Cytogenetic location: 8q21.13.
Variant type: Duplication.
Coding change: c.5286dup on transcript NM_024721.5 (MANE Select); coding-DNA position 5286, one base duplicated (T; older notation c.5286dupT).
Protein change: p.Gly1763fs; shifts the reading frame from glycine 1763.
Molecular consequence: frameshift variant.
Genome position (GRCh38, 1-based): chr8:76,852,207, T duplicated; the last of 3 consecutive T bases (chr8:76,852,205-76,852,207); duplicating any one gives the same sequence. VCF-style (leftmost placement, unchanged base first): chr8-76852204-A-AT. GRCh37 (hg19) VCF-style: chr8-77764440-A-AT.
Other names: c.5208dup, p.Gly1737fs (NM_001410934.1); short protein forms G1737fs, G1763fs.
Identifiers: ClinVar variation 3901199 (VCV003901199.1).
Genomic context (GRCh38, chr8:76,852,204, plus strand): 5'-TTATATACCTGGGACGGAGTTCAGCTTGGGGCCAGATTTGGGCTTGCCAGGCTCTGCCAC[A>AT]TTTGGGATGCCTGGCATGACAGGAATGGCTGGCTCCTTGCTTGAAGACCTAAAGCAGCAG-3'

ClinVar aggregate classification (germline): Pathogenic (1 of 4 stars; one submission).

Conditions:
ZFHX4-associated neurodevelopmental disorder.

Submission:

Institute of Human Genetics, University of Leipzig Medical Center
Classification: Pathogenic for ZFHX4-associated neurodevelopmental disorder. Last evaluated: 2025-05-23. Review status: criteria provided, single submitter. Criteria: ACMG Guidelines, 2015. Collection method: clinical testing. Allele origin: unknown. Inheritance: Autosomal dominant inheritance. Affected: yes.
Comment: Criteria applied: PVS1,PM2

Literature cited by the submitters: PubMed 39148819.